The following is an entry in ClinVar:

NM_007315.4(STAT1):c.595C>T (p.Leu199Phe)

Gene: STAT1 (signal transducer and activator of transcription 1; minus strand). Cytogenetic location: 2q32.2.
Variant type: single nucleotide variant.
Coding change: c.595C>T on transcript NM_007315.4 (MANE Select); coding-DNA position 595, C replaced by T.
Protein change: p.Leu199Phe; replaces leucine 199 with phenylalanine.
Molecular consequence: missense variant. On other transcripts: intron variant (1).
Genome position (GRCh38, 1-based): chr2:190,998,255, G>A on the plus strand (C>T on the coding strand, the complement: STAT1 is on the minus strand). VCF-style: chr2-190998255-G-A. GRCh37 (hg19) VCF-style: chr2-191862981-G-A.
Other names: c.595C>T, p.Leu199Phe (NM_001384880.1, NM_001384882.1, NM_001384885.1 and 5 more transcripts); c.601C>T, p.Leu201Phe (NM_001384881.1, NM_001384884.1); c.505C>T, p.Leu169Phe (NM_001384890.1); c.631C>T, p.Leu211Phe (NM_001384891.1); c.535-248C>T (NM_001384883.1); short protein forms L199F, L169F, L201F, L211F.
Identifiers: ClinVar variation 837552 (VCV000837552.9), dbSNP rs1693998248, ClinGen allele CA349924185.

ClinVar aggregate classification (germline): Uncertain significance (1 of 4 stars; one submission).

Conditions:
Immunodeficiency 31B. Also called: IMMUNODEFICIENCY 31B, MYCOBACTERIAL AND VIRAL INFECTIONS, AUTOSOMAL RECESSIVE; STAT1 DEFICIENCY, AUTOSOMAL RECESSIVE. Identifiers: Orphanet 391311, MedGen C3151088, MONDO:0013427, OMIM 613796.
Autoimmune enteropathy and endocrinopathy - susceptibility to chronic infections syndrome. Also called: Immunodeficiency 31C, autosomal dominant; Immunodeficiency 31C. Identifiers: Orphanet 391487, MedGen C3279990, MONDO:0013599, OMIM 614162.
Mendelian susceptibility to mycobacterial diseases due to partial STAT1 deficiency. Also called: IMMUNODEFICIENCY 31A, MYCOBACTERIOSIS, AUTOSOMAL DOMINANT; STAT1 DEFICIENCY, AUTOSOMAL DOMINANT; Immunodeficiency 31a. Identifiers: Orphanet 319595, MedGen C4013950, MONDO:0013956, OMIM 614892.

Submission:

Labcorp Genetics (formerly Invitae), Labcorp
Classification: Uncertain significance for Mendelian susceptibility to mycobacterial diseases due to partial STAT1 deficiency; Immunodeficiency 31B; Autoimmune enteropathy and endocrinopathy - susceptibility to chronic infections syndrome. Last evaluated: 2022-10-25. Review status: criteria provided, single submitter. Criteria: Invitae Variant Classification Sherloc (09022015). Collection method: clinical testing. Allele origin: germline.
Comment: This sequence change replaces leucine, which is neutral and non-polar, with phenylalanine, which is neutral and non-polar, at codon 199 of the STAT1 protein (p.Leu199Phe). This variant is not present in population databases (gnomAD no frequency). This variant has not been reported in the literature in individuals affected with STAT1-related conditions. ClinVar contains an entry for this variant (Variation ID: 837552). Algorithms developed to predict the effect of missense changes on protein structure and function (SIFT, PolyPhen-2, Align-GVGD) all suggest that this variant is likely to be tolerated. In summary, the available evidence is currently insufficient to determine the role of this variant in disease. Therefore, it has been classified as a Variant of Uncertain Significance.